The following is an entry in ClinVar:

ClinVar aggregate classification (germline): Uncertain significance (1 of 4 stars; one submission).

gnomAD v4.1: 2 of 1,209,933 alleles (0.00017%); highest among the groups gnomAD compares: African/African-American, 0.0035%; no homozygotes.

Submission:

GeneDx
Classification: Uncertain significance. Last evaluated: 2026-03-31. Review status: criteria provided, single submitter. Criteria: GeneDx Variant Classification Process June 2021. Collection method: clinical testing. Allele origin: germline.
Comment: Not observed at significant frequency in large population cohorts (gnomAD); In silico analysis suggests that this missense variant does not alter protein structure/function; Has not been previously published as pathogenic or benign to our knowledge

NM_000489.6(ATRX):c.7336A>G (p.Met2446Val)

Gene: ATRX (ATRX chromatin remodeler; minus strand). Cytogenetic location: Xq21.1.
Variant type: single nucleotide variant.
Coding change: c.7336A>G on transcript NM_000489.6 (MANE Select); coding-DNA position 7336, A replaced by G.
Protein change: p.Met2446Val; replaces methionine 2446 with valine.
Molecular consequence: missense variant.
Genome position (GRCh38, 1-based): chrX:77,508,494, T>C on the plus strand (A>G on the coding strand, the complement: ATRX is on the minus strand). VCF-style: chrX-77508494-T-C. GRCh37 (hg19) VCF-style: chrX-76763972-T-C.
Other names: c.7222A>G, p.Met2408Val (NM_138270.5); short protein forms M2408V, M2446V.
Identifiers: ClinVar variation 5017607 (VCV005017607.1).